The following is an entry in ClinVar:

NM_000059.4(BRCA2):c.9401del (p.Gly3134fs)

Gene: BRCA2 (BRCA2 DNA repair associated; plus strand). Cytogenetic location: 13q13.1.
Variant type: Deletion.
Coding change: c.9401del on transcript NM_000059.4 (MANE Select); coding-DNA position 9401, one base deleted (G; older notation c.9401delG).
Protein change: p.Gly3134fs; shifts the reading frame from glycine 3134.
Molecular consequence: frameshift variant.
Genome position (GRCh38, 1-based): chr13:32,394,833, G deleted; the last of 2 consecutive G bases (chr13:32,394,832-32,394,833); deleting either gives the same sequence. VCF-style (leftmost placement, unchanged base first): chr13-32394831-AG-A. GRCh37 (hg19) VCF-style: chr13-32968968-AG-A.
Other names: 9629delG; c.9401delG (NM_000059.3); c.9400delG (NM_000059.3).
Identifiers: ClinVar variation 38239 (VCV000038239.24), dbSNP rs80359759, ClinGen allele CA026141.
Genomic context (GRCh38, chr13:32,394,831, plus strand): 5'-TATTAAGCCTCATATGTTAATTGCTGCAAGCAACCTCCAGTGGCGACCAGAATCCAAATC[AG>A]GCCTTCTTACTTTATTTGCTGGAGATTTTTCTGTGTTTTCTGCTAGTCCAAAAGAGGGCC-3'

ClinVar aggregate classification (germline): Pathogenic. Review status: reviewed by expert panel (3 of 4 stars). 14 submissions from 14 submitters: Pathogenic (1). 13 of the submissions do not count toward it. Last evaluated 2016-09-08.

Conditions:
Hereditary cancer-predisposing syndrome. Also called: Tumor predisposition; Neoplastic Syndromes, Hereditary; Hereditary neoplastic syndrome; Hereditary Cancer Syndrome. Identifiers: Orphanet 140162, MedGen C0027672, MeSH D009386, MONDO:0015356.
Familial cancer of breast. Also called: Hereditary breast cancer; BREAST CANCER, FAMILIAL; hereditary breast carcinoma. Identifiers: Orphanet 227535, MedGen C0346153, MONDO:0016419, OMIM 114480. Disease mechanism: loss of function.
Breast-ovarian cancer, familial, susceptibility to, 2 (BROVCA2). Also called: BRCA2 Hereditary Breast and Ovarian Cancer. Identifiers: Orphanet 145, MedGen C2675520, MONDO:0012933, OMIM 612555. Disease mechanism: loss of function.
Breast neoplasm. Also called: Breast Neoplasms; Neoplasm of breast; Breast tumor; Neoplasm of the breast. Identifiers: MedGen C1458155, MeSH D001943, MONDO:0021100, HP:0100013. Disease mechanism: gain of function.
Hereditary breast ovarian cancer syndrome. Also called: Hereditary breast and ovarian cancer; Hereditary breast and ovarian cancer syndrome (HBOC); Hereditary breast and/or ovarian cancer syndrome; Breast and ovarian cancer; Hereditary breast and ovarian cancer syndrome; BRCA1- and BRCA2-Associated Hereditary Breast and Ovarian Cancer. Identifiers: Orphanet 145, MedGen C0677776, MeSH D061325, MONDO:0003582. Disease mechanism: loss of function.

Submissions (14):

Evidence-based Network for the Interpretation of Germline Mutant Alleles (ENIGMA)
Classification: Pathogenic for Breast-ovarian cancer, familial, susceptibility to, 2. Last evaluated: 2016-09-08. Review status: reviewed by expert panel. Criteria: ENIGMA BRCA1/2 Classification Criteria (2015). Collection method: curation. Allele origin: germline.
Comment: Variant allele predicted to encode a truncated non-functional protein.

Quest Diagnostics Nichols Institute San Juan Capistrano
Classification: Pathogenic. Last evaluated: 2025-10-20. Review status: criteria provided, single submitter. Criteria: Quest Diagnostics criteria. Collection method: clinical testing. Allele origin: unknown. Not counted in ClinVar's aggregate classification.
Comment: The BRCA2 c.9401del (p.Gly3134Alafs*29) variant alters the translational reading frame of the BRCA2 mRNA and causes the premature termination of BRCA2 protein synthesis. This variant has been reported in the published literature in individuals with breast and/or ovarian cancer (PMIDs: 14531499 (2003), 27157322 (2016), 27257965 (2016), 27741520 (2016), 27836010 (2016), 29446198 (2018), and 38167124 (2024)). In addition, in a large scale breast cancer association study, this variant has been observed in breast cancer cases (PMID: 33471991 (2021), see also LOVD). This variant has not been reported in large, multi-ethnic general populations (Genome Aggregation Database). Based on the available information, this variant is classified as pathogenic .

Labcorp Genetics (formerly Invitae), Labcorp
Classification: Pathogenic for Hereditary breast ovarian cancer syndrome. Last evaluated: 2025-03-23. Review status: criteria provided, single submitter. Criteria: Invitae Variant Classification Sherloc (09022015). Collection method: clinical testing. Allele origin: germline. Not counted in ClinVar's aggregate classification.
Comment: This sequence change creates a premature translational stop signal (p.Gly3134Alafs*29) in the BRCA2 gene. It is expected to result in an absent or disrupted protein product. Loss-of-function variants in BRCA2 are known to be pathogenic (PMID: 20104584). This variant is not present in population databases (gnomAD no frequency). This premature translational stop signal has been observed in individual(s) with breast and/or ovarian cancer (PMID: 14531499, 27257965). This variant is also known as 9629delG. ClinVar contains an entry for this variant (Variation ID: 38239). For these reasons, this variant has been classified as Pathogenic.

Department of Clinical Genetics, Copenhagen University Hospital, Rigshospitalet
Classification: Pathogenic for Breast-ovarian cancer, familial, susceptibility to, 2. Last evaluated: 2024-05-27. Review status: criteria provided, single submitter. Criteria: ACMG Guidelines, 2015. Collection method: clinical testing. Allele origin: germline. Affected: yes. Not counted in ClinVar's aggregate classification.
Comment: PVS1; PM2_supporting; PM5_PTC_Strong

Ambry Genetics
Classification: Pathogenic for Hereditary cancer-predisposing syndrome. Last evaluated: 2022-07-14. Review status: criteria provided, single submitter. Criteria: Ambry Variant Classification Scheme 2023. Collection method: clinical testing. Allele origin: germline. Not counted in ClinVar's aggregate classification.
Comment: The c.9401delG pathogenic mutation, located in coding exon 24 of the BRCA2 gene, results from a deletion of one nucleotide at nucleotide position 9401, causing a translational frameshift with a predicted alternate stop codon (p.G3134Afs*29). This mutation has been reported in numerous probands from hereditary breast and/or ovarian cancer families across multiple ethnicities (Aretini P et al. Breast Cancer Res. Treat., 2003 Sep;81:71-9; Kwong A et al. J Mol Diagn, 2016 Jul;18:580-94; Rebbeck TR et al. Breast Cancer Res., 2016 Nov;18:112; Fernandes GC et al. Oncotarget, 2016 Dec;7:80465-80481). Of note, this alteration is also designated as 9629delG in published literature. In addition to the clinical data presented in the literature, this alteration is expected to result in loss of function by premature protein truncation or nonsense-mediated mRNA decay. As such, this alteration is interpreted as a disease-causing mutation.

Department of Pathology and Laboratory Medicine, Sinai Health System
Classification: Pathogenic for Familial cancer of breast; Breast-ovarian cancer, familial, susceptibility to, 2. Last evaluated: 2021-10-28. Review status: criteria provided, single submitter. Criteria: ACMG Guidelines, 2015. Collection method: clinical testing. Allele origin: germline. Affected: yes. Not counted in ClinVar's aggregate classification.

Laboratory for Molecular Medicine, Mass General Brigham Personalized Medicine
Classification: Pathogenic for Hereditary breast ovarian cancer syndrome. Last evaluated: 2018-07-13. Review status: criteria provided, single submitter. Criteria: LMM Criteria. Collection method: clinical testing. Allele origin: germline. Inheritance: Autosomal dominant inheritance. Observed: 1 variant allele. Not counted in ClinVar's aggregate classification.
Comment: The p.Gly3134AlafsX29 variant in BRCA2 has been reported in multiple families wi th breast and/or ovarian cancer (HBOC; Aretini 2003, Zhong 2016, Rebbeck 2018) a nd was absent from population databases. This variant is predicted to cause a fr ameshift, which alters the protein?s amino acid sequence beginning at position 3 134 and leads to a premature termination codon 29 amino acids downstream. This a lteration is then predicted to lead to a truncated or absent protein. Heterozygo us loss of function of the BRCA2 gene is an established disease mechanism in HBO C. In addition, this variant was classified as Pathogenic on Sept 8, 2016 by the ClinGen-approved ENIGMA expert panel (ClinVar SCV000301388.2). In summary, this variant meets criteria to be classified as pathogenic for HBOC in an autosomal dominant manner based upon absence from controls, proband count, and the predict ed impact on protein. ACMG/AMP Criteria applied: PVS1, PM2, PS4_Supporting.

Human Genome Sequencing Center Clinical Lab, Baylor College of Medicine
Classification: Pathogenic for Breast-ovarian cancer, familial, susceptibility to, 2. Last evaluated: 2017-05-25. Review status: criteria provided, single submitter. Criteria: ACMG Guidelines, 2015. Collection method: clinical testing. Allele origin: germline. Not counted in ClinVar's aggregate classification.
Comment: The c.9401del (p.Gly3134Alafs*29) variant in the BRCA2 gene was reported in patients from the Italian Consortium for Hereditary Breast and Ovarian Cancer [PMID 14531499]. This variant has been reported as pathogenic in ClinVar by an expert panel. This one bp deletion in exon 25 results in a frameshift and the creation of a premature stop codon. This variant is thus predicted to result in a loss of function of the protein. This variant has not been observed in the ExAC population database. This variant is thus classified as pathogenic.

Laboratory of Molecular Diagnosis of Cancer, West China Hospital, Sichuan University
Classification: Pathogenic for Breast neoplasm. Last evaluated: 2015-11-01. Review status: criteria provided, single submitter. Criteria: ACMG Guidelines, 2015. Collection method: research. Allele origin: germline. Affected: yes. Observed: 1 variant allele. Not counted in ClinVar's aggregate classification.

Consortium of Investigators of Modifiers of BRCA1/2 (CIMBA), c/o University of Cambridge
Classification: Pathogenic for Breast-ovarian cancer, familial, susceptibility to, 2. Last evaluated: 2015-10-02. Review status: criteria provided, single submitter. Criteria: CIMBA Mutation Classification guidelines May 2016. Collection method: clinical testing. Allele origin: germline. Not counted in ClinVar's aggregate classification.

Research Molecular Genetics Laboratory, Women's College Hospital, University of Toronto
Classification: Pathogenic for Hereditary breast ovarian cancer syndrome. Last evaluated: 2014-01-31. Review status: no assertion criteria provided. Collection method: research. Allele origin: germline. Affected: yes. Study: The Canadian Open Genetics Repository (COGR). Not counted in ClinVar's aggregate classification.

Sharing Clinical Reports Project (SCRP)
Classification: Pathogenic for Breast-ovarian cancer, familial 2. Last evaluated: 2006-04-27. Review status: no assertion criteria provided. Collection method: clinical testing. Allele origin: germline. Not counted in ClinVar's aggregate classification.

Breast Cancer Information Core (BIC) (BRCA2)
Classification: Pathogenic for Breast-ovarian cancer, familial 2. Last evaluated: 2002-05-29. Review status: no assertion criteria provided. Collection method: clinical testing. Allele origin: germline. Affected: yes. Observed: 2 variant alleles. Not counted in ClinVar's aggregate classification.

Center for Precision Medicine, Meizhou People's Hospital
Classification: Pathogenic for Familial cancer of breast. Review status: no assertion criteria provided. Collection method: literature only. Allele origin: germline. Affected: yes. Not counted in ClinVar's aggregate classification.

Literature cited by the submitters: PubMed 14531499 (cited by 5 submitters); PubMed 29446198 (cited by Quest Diagnostics Nichols Institute San Juan Capistrano and Laboratory for Molecular Medicine, Mass General Brigham Personalized Medicine); PubMed 27836010 (cited by Quest Diagnostics Nichols Institute San Juan Capistrano and Ambry Genetics); PubMed 27741520 (cited by Quest Diagnostics Nichols Institute San Juan Capistrano and Ambry Genetics); PubMed 27257965 (cited by 6 submitters); PubMed 27157322 (cited by Quest Diagnostics Nichols Institute San Juan Capistrano and Ambry Genetics); PubMed 38167124 (cited by Quest Diagnostics Nichols Institute San Juan Capistrano); PubMed 33471991 (cited by Quest Diagnostics Nichols Institute San Juan Capistrano); PubMed 20104584 (cited by Labcorp Genetics (formerly Invitae), Labcorp and Center for Precision Medicine, Meizhou People's Hospital).